The following is an entry in ClinVar:

ClinVar aggregate classification (germline): Likely pathogenic (1 of 4 stars; one submission).

Conditions:
Autosomal recessive limb-girdle muscular dystrophy type 2J (LGMDR10). Also called: Limb-girdle muscular dystrophy, type 2J; MUSCULAR DYSTROPHY, LIMB-GIRDLE, AUTOSOMAL RECESSIVE 10. Identifiers: Orphanet 140922, MedGen C1837342, MONDO:0012127, OMIM 608807.
Dilated cardiomyopathy 1G (CMD1G). Identifiers: Orphanet 154, MedGen C1858763, MONDO:0011400, OMIM 604145.

Submission:

Labcorp Genetics (formerly Invitae), Labcorp
Classification: Likely pathogenic for Dilated cardiomyopathy 1G; Autosomal recessive limb-girdle muscular dystrophy type 2J. Last evaluated: 2023-12-21. Review status: criteria provided, single submitter. Criteria: Invitae Variant Classification Sherloc (09022015). Collection method: clinical testing. Allele origin: germline.
Comment: This sequence change creates a premature translational stop signal (p.Gln35660*) in the TTN gene. While this is not anticipated to result in nonsense mediated decay, it is expected to create a truncated TTN protein. This variant is not present in population databases (gnomAD no frequency). This premature translational stop signal has been observed in individual(s) with clinical features of autosomal recessive limb-girdle muscular dystrophy and/or dilated cardiomyopathy (PMID: 25163546, 26581302). This variant is also known as c.107203C>T p.Q35660* or c.C80359T p.Q26787X. ClinVar contains an entry for this variant (Variation ID: 2203214). This variant is located in the M band of TTN (PMID: 25589632). Truncating variants in this region have been previously reported in individuals affected with autosomal recessive myopathy and muscular dystrophy (PMID: 18948003, 23975875, 24395473). Truncating variants in this region have also been identified in individuals affected with autosomal dominant dilated cardiomyopathy and/or cardio-related conditions (PMID: 27869827, 32964742). In summary, the currently available evidence indicates that the variant is pathogenic, but additional data are needed to prove that conclusively. Therefore, this variant has been classified as Likely Pathogenic.

Literature cited by the submitters: PubMed 25163546; PubMed 26581302; PubMed 25589632; PubMed 18948003; PubMed 23975875; PubMed 24395473; PubMed 27869827; PubMed 32964742.

NM_001267550.2(TTN):c.106978C>T (p.Gln35660Ter)

Genes: TTN (titin; minus strand), TTN-AS1 (TTN antisense RNA 1; plus strand). Cytogenetic location: 2q31.2.
Variant type: single nucleotide variant.
Coding change: c.106978C>T on transcript NM_001267550.2 (MANE Select); coding-DNA position 106978, C replaced by T.
Protein change: p.Gln35660Ter; replaces glutamine 35660 with a stop codon.
Molecular consequence: nonsense.
Genome position (GRCh38, 1-based): chr2:178,528,773, G>A on the plus strand (C>T on the coding strand, the complement: TTN is on the minus strand). VCF-style: chr2-178528773-G-A. GRCh37 (hg19) VCF-style: chr2-179393500-G-A.
Other names: c.102055C>T, p.Gln34019Ter (NM_001256850.1); c.79783C>T, p.Gln26595Ter (NM_003319.4); c.99274C>T, p.Gln33092Ter (NM_133378.4); c.80158C>T, p.Gln26720Ter (NM_133432.3); c.80359C>T, p.Gln26787Ter (NM_133437.4); short protein forms Q35660*, Q26720*, Q26787*, Q33092*, Q26595*, Q34019*.
Identifiers: ClinVar variation 2203214 (VCV002203214.4), dbSNP rs1687693219, ClinGen allele CA349402355.